The following is an entry in ClinVar:

NM_000302.4(PLOD1):c.*614G>T

Gene: PLOD1 (procollagen-lysine,2-oxoglutarate 5-dioxygenase 1; plus strand). Cytogenetic location: 1p36.22.
Variant type: single nucleotide variant.
Coding change: c.*614G>T on transcript NM_000302.4 (MANE Select); 614 bases downstream of the stop codon, G replaced by T.
Molecular consequence: 3 prime UTR variant.
Genome position (GRCh38, 1-based): chr1:11,975,422, G>T. VCF-style: chr1-11975422-G-T. GRCh37 (hg19) VCF-style: chr1-12035479-G-T.
Other names: c.*614G>T (NM_001316320.2).
Identifiers: ClinVar variation 875539 (VCV000875539.4), dbSNP rs15431, ClinGen allele CA18022808.
Genomic context (GRCh38, chr1:11,975,422, plus strand): 5'-GAGAACCTCTTGGGAGACAGAAGAGGCATCTGTGCACAGCTCGATCTTCTACTTGCCTGT[G>T]GGGAGGGGAGTGACAGGTCCACACACCACACTGGGTCACCCTGTCCTGGATGCCTCTGAA-3'

ClinVar aggregate classification (germline): Benign (1 of 4 stars; one submission).

Conditions:
Ehlers-Danlos syndrome, kyphoscoliotic type 1 (EDSKSCL1). Also called: EHLERS-DANLOS SYNDROME, TYPE VIA; Ehlers-Danlos syndrome, hydroxylysine-deficient; EHLERS-DANLOS SYNDROME, OCULAR-SCOLIOTIC TYPE; PLOD1-Related Kyphoscoliotic Ehlers-Danlos Syndrome. Identifiers: Orphanet 1900, MedGen C0268342, MONDO:0016002, OMIM 225400. Disease mechanism: loss of function.

Allele frequency attached by ClinVar (database versions not stated): gnomAD exomes 0.00047; 1000 Genomes Project 0.00419; gnomAD 0.00429 and 0.00472; TOPMed 0.00477; 1000 Genomes Project 30x 0.00484.
gnomAD v4.1: 655 of 169,694 alleles (0.39%); highest among the groups gnomAD compares: African/African-American, 1.5%; 3 homozygotes.

Submission:

Illumina Laboratory Services, Illumina
Classification: Benign for Ehlers-Danlos syndrome, kyphoscoliotic type 1. Last evaluated: 2018-01-13. Review status: criteria provided, single submitter. Criteria: ICSL Variant Classification Criteria 13 December 2019. Collection method: clinical testing. Allele origin: germline.
Comment: This variant was observed in the ICSL laboratory as part of a predisposition screen in an ostensibly healthy population. It had not been previously curated by ICSL or reported in the Human Gene Mutation Database (HGMD: prior to June 1st, 2018), and was therefore a candidate for classification through an automated scoring system. Utilizing variant allele frequency, disease prevalence and penetrance estimates, and inheritance mode, an automated score was calculated to assess if this variant is too frequent to cause the disease. Based on the score and internal cut-off values, a variant classified as benign is not then subjected to further curation. The score for this variant resulted in a classification of benign for this disease.